The following is an entry in ClinVar:

ClinVar aggregate classification (germline): Uncertain significance (1 of 4 stars; one submission).

Conditions:
Inborn genetic diseases. Identifiers: MedGen C0950123, MeSH D030342.

Submission:

Ambry Genetics
Classification: Uncertain significance for Inborn genetic diseases. Last evaluated: 2017-05-03. Review status: criteria provided, single submitter. Criteria: Ambry Variant Classification Scheme 2023. Collection method: clinical testing. Allele origin: germline.
Comment: The p.R95L variant (also known as c.284G>T), located in coding exon 3 of the ARHGEF9 gene, results from a G to T substitution at nucleotide position 284. The arginine at codon 95 is replaced by leucine, an amino acid with dissimilar properties. This amino acid position is well conserved in available vertebrate species. In addition, this alteration is predicted to be tolerated by in silico analysis. Since supporting evidence is limited at this time, the clinical significance of this alteration remains unclear.

NM_001353921.2(ARHGEF9):c.305G>T (p.Arg102Leu)

Gene: ARHGEF9 (Cdc42 guanine nucleotide exchange factor 9; minus strand). Cytogenetic location: Xq11.1.
Variant type: single nucleotide variant.
Coding change: c.305G>T on transcript NM_001353921.2 (MANE Select); coding-DNA position 305, G replaced by T.
Protein change: p.Arg102Leu; replaces arginine 102 with leucine.
Molecular consequence: missense variant. On other transcripts: 5 prime UTR variant (3).
Genome position (GRCh38, 1-based): chrX:63,706,355, C>A on the plus strand (G>T on the coding strand, the complement: ARHGEF9 is on the minus strand). VCF-style: chrX-63706355-C-A. GRCh37 (hg19) VCF-style: chrX-62926235-C-A.
Other names: c.125G>T, p.Arg42Leu (NM_001173479.2); c.-23G>T (NM_001173480.2, NM_001369042.1); c.221G>T, p.Arg74Leu (NM_001330495.2, NM_001353927.2, NM_001369033.1 and 8 more transcripts); c.305G>T, p.Arg102Leu (NM_001353922.2); c.323G>T, p.Arg108Leu (NM_001353923.1); c.104G>T, p.Arg35Leu (NM_001353924.2, NM_001353926.2, NM_001369039.1 and 1 more transcripts); c.284G>T, p.Arg95Leu (NM_001353928.2, NM_001369030.1, NM_001369031.1 and 2 more transcripts); c.-399G>T (NM_001369045.1); short protein forms R95L, R42L, R74L, R108L, R35L, R102L.
Identifiers: ClinVar variation 589003 (VCV000589003.5), dbSNP rs782087438, ClinGen allele CA413402061.